The following is an entry in ClinVar:

NM_000492.4(CFTR):c.2994A>C (p.Leu998Phe)

Genes: CFTR (CF transmembrane conductance regulator; plus strand), CFTR-AS2 (CFTR antisense RNA 2; minus strand), LOC111674472 (DNase I hypersensitive sites in introns 16 and 17a of CFTR; plus strand). Cytogenetic location: 7q31.2.
Variant type: single nucleotide variant.
Coding change: c.2994A>C on transcript NM_000492.4 (MANE Select); coding-DNA position 2994, A replaced by C.
Protein change: p.Leu998Phe; replaces leucine 998 with phenylalanine.
Molecular consequence: missense variant.
Genome position (GRCh38, 1-based): chr7:117,610,524, A>C. VCF-style: chr7-117610524-A-C. GRCh37 (hg19) VCF-style: chr7-117250578-A-C.
Other names: short protein forms L998F.
Identifiers: ClinVar variation 1798548 (VCV001798548.2), dbSNP rs751537272, ClinGen allele CA368990279.
Genomic context (GRCh38, chr7:117,610,524, plus strand): 5'-CCACTTTGCAATGTGAAAATGTTTACTCACCAACATGTTTTCTTTGATCTTACAGTTGTT[A>C]TTAATTGTGATTGGAGCTATAGCAGTTGTCGCAGTTTTACAACCCTACATCTTTGTTGCA-3'
Protein context (NP_000483.3, residues 988-1008): PLTIFDFIQL[Leu998Phe]LIVIGAIAVV

ClinVar aggregate classification (germline): Uncertain significance (1 of 4 stars; one submission).

Conditions:
Cystic fibrosis (CF). Also called: MUCOVISCIDOSIS. Identifiers: Orphanet 586, MedGen C0010674, MONDO:0009061, OMIM 219700. Disease mechanism: loss of function.

Submission:

Ambry Genetics
Classification: Uncertain significance for Cystic fibrosis. Last evaluated: 2022-06-04. Review status: criteria provided, single submitter. Criteria: Ambry Variant Classification Scheme 2023. Collection method: clinical testing. Allele origin: germline.
Comment: The p.L998F variant (also known as c.2994A>C), located in coding exon 19 of the CFTR gene, results from an A to C substitution at nucleotide position 2994. The leucine at codon 998 is replaced by phenylalanine, an amino acid with highly similar properties. This amino acid position is conserved. In addition, this alteration is predicted to be tolerated by in silico analysis. Since supporting evidence is limited at this time, the clinical significance of this alteration remains unclear.